The following is an entry in ClinVar:

ClinVar aggregate classification (germline): Likely benign. Review status: criteria provided, multiple submitters, no conflicts (2 of 4 stars). 2 submissions from 2 submitters: Likely benign (2). Last evaluated 2026-02-01.

gnomAD v4.1: 209 of 1,613,568 alleles (0.013%); highest among the groups gnomAD compares: Non-Finnish European, 0.016%; no homozygotes.

Submissions (2):

CeGaT Center for Human Genetics Tuebingen
Classification: Likely benign. Last evaluated: 2026-02-01. Review status: criteria provided, single submitter. Criteria: CeGaT Center For Human Genetics Tuebingen Variant Classification Criteria Version 2. Collection method: clinical testing. Allele origin: germline. Affected: yes. Observed: 1 variant allele.
Comment: TLL1: BP4, BP7

Blueprint Genetics
Classification: Likely benign. Last evaluated: 2024-09-20. Review status: criteria provided, single submitter. Criteria: ACMG Guidelines, 2015. Collection method: clinical testing. Allele origin: germline.

NM_012464.5(TLL1):c.1677C>T (p.Asp559=)

Gene: TLL1 (tolloid like 1; plus strand). Cytogenetic location: 4q32.3.
Variant type: single nucleotide variant.
Coding change: c.1677C>T on transcript NM_012464.5 (MANE Select); coding-DNA position 1677, C replaced by T.
Protein change: p.Asp559=; no amino-acid change (aspartic acid 559 retained).
Molecular consequence: synonymous variant.
Genome position (GRCh38, 1-based): chr4:166,055,228, C>T. VCF-style: chr4-166055228-C-T. GRCh37 (hg19) VCF-style: chr4-166976380-C-T.
Identifiers: ClinVar variation 4820775 (VCV004820775.5).